The following is an entry in ClinVar:

ClinVar aggregate classification (germline): Conflicting classifications of pathogenicity. Review status: criteria provided, conflicting classifications (1 of 4 stars). 3 submissions from 3 submitters: Uncertain significance (1); Likely benign (2). Last evaluated 2025-08-21.

Conditions:
Inborn genetic diseases. Identifiers: MedGen C0950123, MeSH D030342.
Multiple congenital anomalies-hypotonia-seizures syndrome 2 (MCAHS2). Also called: EPILEPTIC ENCEPHALOPATHY, EARLY INFANTILE, 20; GLYCOSYLPHOSPHATIDYLINOSITOL BIOSYNTHESIS DEFECT 4. Identifiers: Orphanet 300496, MedGen C3275508, MONDO:0010466, OMIM 300868.

Allele frequency attached by ClinVar (database versions not stated): TOPMed below 0.00001; gnomAD exomes 0.00001.
gnomAD v4.1: 13 of 1,211,952 alleles (0.0011%); highest among the groups gnomAD compares: Non-Finnish European, 0.0012%; no homozygotes.

Submissions (3):

Labcorp Genetics (formerly Invitae), Labcorp
Classification: Likely benign for Multiple congenital anomalies-hypotonia-seizures syndrome 2. Last evaluated: 2025-08-21. Review status: criteria provided, single submitter. Criteria: Invitae Variant Classification Sherloc (09022015). Collection method: clinical testing. Allele origin: germline.

GeneDx
Classification: Uncertain significance. Last evaluated: 2021-04-19. Review status: criteria provided, single submitter. Criteria: GeneDx Variant Classification Process June 2021. Collection method: clinical testing. Allele origin: germline. Affected: yes.
Comment: Not observed in large population cohorts (Lek et al., 2016); Has not been previously published as pathogenic or benign to our knowledge; In-silico analysis, which includes splice predictors and evolutionary conservation, is inconclusive as to whether the variant alters gene splicing. In the absence of RNA/functional studies, the actual effect of this sequence change is unknown.

Ambry Genetics
Classification: Likely benign for Inborn genetic diseases. Last evaluated: 2017-12-22. Review status: criteria provided, single submitter. Criteria: Ambry Variant Classification Scheme 2023. Collection method: clinical testing. Allele origin: germline.

NM_002641.4(PIGA):c.420C>T (p.Phe140=)

Gene: PIGA (phosphatidylinositol glycan anchor biosynthesis class A; minus strand). Cytogenetic location: Xp22.2.
Variant type: single nucleotide variant.
Coding change: c.420C>T on transcript NM_002641.4 (MANE Select); coding-DNA position 420, C replaced by T.
Protein change: p.Phe140=; no amino-acid change (phenylalanine 140 retained).
Molecular consequence: synonymous variant. On other transcripts: intron variant (1).
Genome position (GRCh38, 1-based): chrX:15,331,511, G>A on the plus strand (C>T on the coding strand, the complement: PIGA is on the minus strand). VCF-style: chrX-15331511-G-A. GRCh37 (hg19) VCF-style: chrX-15349633-G-A.
Other names: c.13+3990C>T (NM_020473.3).
Identifiers: ClinVar variation 1161748 (VCV001161748.12), dbSNP rs760682734, ClinGen allele CA326944947.
Genomic context (GRCh38, chrX:15,331,511, plus strand): 5'-AGCAAATCCAAAAAGGGAATGGTCCGTGAAGACTGTCTGAAGCCCCATTGTCTTGGCGTG[G>A]AAGAGAGCATCATGGGCCATAGCAGAAAAAGAACTATGTGAATGGATTATCGTGACTCTC-3'
Protein context (NP_002632.1, residues 130-150): SFSAMAHDAL[Phe140=]HAKTMGLQTV